The following is an entry in ClinVar:

ClinVar aggregate classification (germline): Uncertain significance (1 of 4 stars; one submission).

Conditions:
Norman-Roberts syndrome (LIS2). Also called: Lissencephaly 2 (Norman-Roberts type). Identifiers: Orphanet 89844, MedGen C0796089, MONDO:0009760, OMIM 257320.
Familial temporal lobe epilepsy 7. Identifiers: Orphanet 101046, MedGen C4225327, MONDO:0014639, OMIM 616436.

Submission:

Labcorp Genetics (formerly Invitae), Labcorp
Classification: Uncertain significance for Familial temporal lobe epilepsy 7; Norman-Roberts syndrome. Last evaluated: 2025-02-04. Review status: criteria provided, single submitter. Criteria: Invitae Variant Classification Sherloc (09022015). Collection method: clinical testing. Allele origin: germline.
Comment: This sequence change replaces leucine, which is neutral and non-polar, with valine, which is neutral and non-polar, at codon 509 of the RELN protein (p.Leu509Val). This variant is not present in population databases (gnomAD no frequency). This variant has not been reported in the literature in individuals affected with RELN-related conditions. ClinVar contains an entry for this variant (Variation ID: 2091817). Invitae Evidence Modeling of protein sequence and biophysical properties (such as structural, functional, and spatial information, amino acid conservation, physicochemical variation, residue mobility, and thermodynamic stability) indicates that this missense variant is not expected to disrupt RELN protein function with a negative predictive value of 80%. In summary, the available evidence is currently insufficient to determine the role of this variant in disease. Therefore, it has been classified as a Variant of Uncertain Significance.

NM_005045.4(RELN):c.1525C>G (p.Leu509Val)

Gene: RELN (reelin; minus strand). Cytogenetic location: 7q22.1.
Variant type: single nucleotide variant.
Coding change: c.1525C>G on transcript NM_005045.4 (MANE Select); coding-DNA position 1525, C replaced by G.
Protein change: p.Leu509Val; replaces leucine 509 with valine.
Molecular consequence: missense variant.
Genome position (GRCh38, 1-based): chr7:103,654,122, G>C on the plus strand (C>G on the coding strand, the complement: RELN is on the minus strand). VCF-style: chr7-103654122-G-C. GRCh37 (hg19) VCF-style: chr7-103294569-G-C.
Other names: c.1525C>G, p.Leu509Val (NM_173054.3); short protein forms L509V.
Identifiers: ClinVar variation 2091817 (VCV002091817.4), dbSNP rs2484844110, ClinGen allele CA368766320.